The following is an entry in ClinVar:

NM_001374736.1(DST):c.14897T>G (p.Leu4966Trp)

Gene: DST (dystonin; minus strand). Cytogenetic location: 6p12.1.
Variant type: single nucleotide variant.
Coding change: c.14897T>G on transcript NM_001374736.1 (MANE Select); coding-DNA position 14897, T replaced by G.
Protein change: p.Leu4966Trp; replaces leucine 4966 with tryptophan.
Molecular consequence: missense variant.
Genome position (GRCh38, 1-based): chr6:56,555,584, A>C on the plus strand (T>G on the coding strand, the complement: DST is on the minus strand). VCF-style: chr6-56555584-A-C. GRCh37 (hg19) VCF-style: chr6-56420382-A-C.
Other names: c.8540T>G, p.Leu2847Trp (NM_001144769.5); c.8126T>G, p.Leu2709Trp (NM_001144770.2); c.14897T>G, p.Leu4966Trp (NM_001374722.1); c.14264T>G, p.Leu4755Trp (NM_001374729.1); c.8006T>G, p.Leu2669Trp (NM_001374730.1, NM_001386100.1, NM_183380.4); c.14924T>G, p.Leu4975Trp (NM_001374734.1); c.7028T>G, p.Leu2343Trp (NM_015548.5); short protein forms L2343W, L2669W, L4966W, L4755W, L4975W, L2709W, L2847W.
Identifiers: ClinVar variation 2929385 (VCV002929385.1), dbSNP rs376898741, ClinGen allele CA3867912.
Genomic context (GRCh38, chr6:56,555,584, plus strand): 5'-TGTTGGTTCATAGCATCAGGGTGCGTGCTCACAGCCAGACTGCTGCTGAGTTTATTATCC[A>C]AGTCACTCAGTTTATCAGAAAGGCTTCTCAGCAGGCTTTGATACTGTGTGCTTTTAACAA-3'
Protein context (NP_001361665.1, residues 4956-4976): LRSLSDKLSD[Leu4966Trp]DNKLSSSLAV

ClinVar aggregate classification (germline): Uncertain significance (1 of 4 stars; one submission).

Conditions:
Hereditary sensory and autonomic neuropathy type 6. Also called: HSAN VI; Neuropathy, hereditary sensory and autonomic, type VI. Identifiers: Orphanet 314381, MedGen C3539003, MONDO:0013839, OMIM 614653.
Epidermolysis bullosa simplex 3, localized or generalized intermediate, with BP230 deficiency (EBS3). Also called: Epidermolysis bullosa simplex, autosomal recessive 2; Epidermolysis bullosa simplex due to BP230 deficiency. Identifiers: Orphanet 412181, MedGen C3809470, MONDO:0014180, OMIM 615425.

Allele frequency attached by ClinVar (database versions not stated): TOPMed below 0.00001; ExAC 0.00001; gnomAD exomes 0.00001; gnomAD 0.00002; ESP Exome Variant Server 0.00008.
gnomAD v4.1: 11 of 1,613,862 alleles (0.00068%); highest among the groups gnomAD compares: Admixed American, 0.012%; no homozygotes.

Submission:

Labcorp Genetics (formerly Invitae), Labcorp
Classification: Uncertain significance for Epidermolysis bullosa simplex 3, localized or generalized intermediate, with BP230 deficiency; Hereditary sensory and autonomic neuropathy type 6. Last evaluated: 2023-03-29. Review status: criteria provided, single submitter. Criteria: Invitae Variant Classification Sherloc (09022015). Collection method: clinical testing. Allele origin: germline.
Comment: In summary, the available evidence is currently insufficient to determine the role of this variant in disease. Therefore, it has been classified as a Variant of Uncertain Significance. Experimental studies and prediction algorithms are not available or were not evaluated, and the functional significance of this variant is currently unknown. This variant has not been reported in the literature in individuals affected with DST-related conditions. This variant is present in population databases (rs376898741, gnomAD 0.01%). This sequence change replaces leucine, which is neutral and non-polar, with tryptophan, which is neutral and slightly polar, at codon 2343 of the DST protein (p.Leu2343Trp). The DST gene has multiple clinically relevant transcripts. This variant occurs in alternate transcript NM_015548.4, and corresponds to NM_001723.5:c.*59933T>G in the primary transcript.